The following is an entry in ClinVar:

ClinVar aggregate classification (germline): Likely benign. Review status: criteria provided, multiple submitters, no conflicts (2 of 4 stars). 2 submissions from 2 submitters: Likely benign (2). Last evaluated 2018-06-16.

Allele frequency attached by ClinVar (database versions not stated): gnomAD 0.01855 and 0.01772; gnomAD exomes 0.01631; TOPMed 0.02480; 1000 Genomes Project 30x 0.03404; 1000 Genomes Project 0.03454.
gnomAD v4.1: 15,629 of 941,550 alleles (1.7%); highest among the groups gnomAD compares: Admixed American, 12%; 637 homozygotes.

Submissions (6):

GeneDx
Classification: Likely benign. Last evaluated: 2018-06-16. Review status: criteria provided, single submitter. Criteria: GeneDx Variant Classification (06012015). Collection method: clinical testing. Allele origin: germline. Affected: yes.
Comment: This variant is considered likely benign or benign based on one or more of the following criteria: it is a conservative change, it occurs at a poorly conserved position in the protein, it is predicted to be benign by multiple in silico algorithms, and/or has population frequency not consistent with disease.

Breakthrough Genomics
Classification: Likely benign. Review status: criteria provided, single submitter. Criteria: ACMG Guidelines, 2015. Collection method: not provided. Allele origin: germline. Inheritance: Unknown mechanism. Affected: yes.

Dr. Peter K. Rogan Lab, Western University
No classification provided (evidence only). Condition: Cervical cancer. Review status: no classification provided. Collection method: in vitro. Allele origin: not applicable. Functional consequence: retained intron. Not counted in ClinVar's aggregate classification.

Dr. Peter K. Rogan Lab, Western University
No classification provided (evidence only). Condition: Cervical cancer. Review status: no classification provided. Collection method: in vitro. Allele origin: not applicable. Functional consequence: retained intron. Not counted in ClinVar's aggregate classification.

Dr. Peter K. Rogan Lab, Western University
No classification provided (evidence only). Condition: Thymoma. Review status: no classification provided. Collection method: in vitro. Allele origin: not applicable. Functional consequence: retained intron. Not counted in ClinVar's aggregate classification.

Dr. Peter K. Rogan Lab, Western University
No classification provided (evidence only). Condition: Cholangiocarcinoma. Review status: no classification provided. Collection method: in vitro. Allele origin: not applicable. Functional consequence: retained intron. Not counted in ClinVar's aggregate classification.

NM_001080779.2(MYO1C):c.-117C>G

Gene: MYO1C (myosin IC; minus strand). Cytogenetic location: 17p13.3.
Variant type: single nucleotide variant.
Coding change: c.-117C>G on transcript NM_001080779.2 (MANE Select); 117 bases upstream of the start codon, C replaced by G.
Molecular consequence: 5 prime UTR variant.
Genome position (GRCh38, 1-based): chr17:1,492,604, G>C on the plus strand (C>G on the coding strand, the complement: MYO1C is on the minus strand). VCF-style: chr17-1492604-G-C. GRCh37 (hg19) VCF-style: chr17-1395898-G-C.
Other names: NC_000017.10:g.1395898G>C.
Identifiers: ClinVar variation 682793 (VCV000682793.5), dbSNP rs74829228, ClinGen allele CA286804913.